The following is an entry in ClinVar:

NM_001374675.1(HSF4):c.536dup (p.Gln180fs)

Gene: HSF4 (heat shock transcription factor 4; plus strand). Cytogenetic location: 16q22.1.
Variant type: Duplication.
Coding change: c.536dup on transcript NM_001374675.1 (MANE Select); coding-DNA position 536, one base duplicated (G; older notation c.536dupG).
Protein change: p.Gln180fs; shifts the reading frame from glutamine 180.
Molecular consequence: frameshift variant.
Genome position (GRCh38, 1-based): chr16:67,166,370, G duplicated; the last of 2 consecutive G bases (chr16:67,166,369-67,166,370); duplicating either gives the same sequence. VCF-style (leftmost placement, unchanged base first): chr16-67166368-C-CG. GRCh37 (hg19) VCF-style: chr16-67200271-C-CG.
Other names: c.536dup, p.Gln180fs (NM_001040667.3, NM_001374674.1, NM_001538.4); short protein forms Q180fs.
Identifiers: ClinVar variation 3696447 (VCV003696447.1).

ClinVar aggregate classification (germline): Pathogenic (1 of 4 stars; one submission).

Conditions:
Cataract 5 multiple types (CTRCT5). Also called: CATARACT, MARNER TYPE; CATARACT 5, LAMELLAR; Lamellar cataract. Identifiers: Orphanet 91492, MedGen C0266537, MONDO:0007290, OMIM 116800, HP:0007971.

Submission:

Labcorp Genetics (formerly Invitae), Labcorp
Classification: Pathogenic for Cataract 5 multiple types. Last evaluated: 2024-12-07. Review status: criteria provided, single submitter. Criteria: Invitae Variant Classification Sherloc (09022015). Collection method: clinical testing. Allele origin: germline.
Comment: This sequence change creates a premature translational stop signal (p.Gln180Serfs*36) in the HSF4 gene. It is expected to result in an absent or disrupted protein product. Loss-of-function variants in HSF4 are known to be pathogenic (PMID: 15959809). This variant is present in population databases (no rsID available, gnomAD 0.0009%). This variant has not been reported in the literature in individuals affected with HSF4-related conditions. Algorithms developed to predict the effect of sequence changes on RNA splicing suggest that this variant may disrupt the consensus splice site. For these reasons, this variant has been classified as Pathogenic.

Literature cited by the submitters: PubMed 15959809.